The following is an entry in ClinVar:

NM_004963.4(GUCY2C):c.1926A>T (p.Lys642Asn)

Gene: GUCY2C (guanylate cyclase 2C; minus strand). Cytogenetic location: 12p12.3.
Variant type: single nucleotide variant.
Coding change: c.1926A>T on transcript NM_004963.4 (MANE Select); coding-DNA position 1926, A replaced by T.
Protein change: p.Lys642Asn; replaces lysine 642 with asparagine.
Molecular consequence: missense variant.
Genome position (GRCh38, 1-based): chr12:14,643,578, T>A on the plus strand (A>T on the coding strand, the complement: GUCY2C is on the minus strand). VCF-style: chr12-14643578-T-A. GRCh37 (hg19) VCF-style: chr12-14796512-T-A.
Other names: short protein forms K642N.
Identifiers: ClinVar variation 3713665 (VCV003713665.2).
Genomic context (GRCh38, chr12:14,643,578, plus strand): 5'-TGGGTTTGAAAAAAAAATCAGTTAGGAAACTAGTGAACATTTCATTCATTACAGACCCTT[T>A]TTTGGAGGTAAAATGGAATTGCAGCCAAAATCAGTGATCTTCACCACCATTCTACTGTCC-3'
Protein context (NP_004954.2, residues 632-652): DFGCNSILPP[Lys642Asn]KDLWTAPEHL

ClinVar aggregate classification (germline): Uncertain significance (1 of 4 stars; one submission).

Submission:

Labcorp Genetics (formerly Invitae), Labcorp
Classification: Uncertain significance. Last evaluated: 2024-11-10. Review status: criteria provided, single submitter. Criteria: Invitae Variant Classification Sherloc (09022015). Collection method: clinical testing. Allele origin: germline.
Comment: This sequence change replaces lysine, which is basic and polar, with asparagine, which is neutral and polar, at codon 642 of the GUCY2C protein (p.Lys642Asn). This variant is not present in population databases (gnomAD no frequency). This variant has not been reported in the literature in individuals affected with GUCY2C-related conditions. Invitae Evidence Modeling of protein sequence and biophysical properties (such as structural, functional, and spatial information, amino acid conservation, physicochemical variation, residue mobility, and thermodynamic stability) indicates that this missense variant is not expected to disrupt GUCY2C protein function with a negative predictive value of 80%. In summary, the available evidence is currently insufficient to determine the role of this variant in disease. Therefore, it has been classified as a Variant of Uncertain Significance.